The following is an entry in ClinVar:

NM_032447.5(FBN3):c.263G>A (p.Arg88His)

Gene: FBN3 (fibrillin 3; minus strand). Cytogenetic location: 19p13.2.
Variant type: single nucleotide variant.
Coding change: c.263G>A on transcript NM_032447.5 (MANE Select); coding-DNA position 263, G replaced by A.
Protein change: p.Arg88His; replaces arginine 88 with histidine.
Molecular consequence: missense variant.
Genome position (GRCh38, 1-based): chr19:8,146,213, C>T on the plus strand (G>A on the coding strand, the complement: FBN3 is on the minus strand). VCF-style: chr19-8146213-C-T. GRCh37 (hg19) VCF-style: chr19-8211097-C-T.
Other names: c.263G>A, p.Arg88His (NM_001321431.2); short protein forms R88H.
Identifiers: ClinVar variation 2300246 (VCV002300246.4), dbSNP rs773721983, ClinGen allele CA9153781.
Genomic context (GRCh38, chr19:8,146,213, plus strand): 5'-AGCGTCCCATCCGCACAGGTGCACAGGTTGGGCTGGGAGCAGAAGCCTTCACCGCAGGCG[C>T]GCCTACAGATGGCTGGATGAGTGCAGCGGGTGGCAGTCAAGACCAGGACCGAGCCTGGGC-3'
Protein context (NP_115823.3, residues 78-98): RSQCVVPICR[Arg88His]ACGEGFCSQP

ClinVar aggregate classification (germline): Conflicting classifications of pathogenicity. Review status: criteria provided, conflicting classifications (1 of 4 stars). 2 submissions from 2 submitters: Uncertain significance (1); Likely benign (1). Last evaluated 2024-09-06.

Allele frequency attached by ClinVar (database versions not stated): TOPMed 0.00001; gnomAD 0.00002; gnomAD exomes 0.00002; ExAC 0.00008.

Submissions (2):

Labcorp Genetics (formerly Invitae), Labcorp
Classification: Uncertain significance. Last evaluated: 2024-09-06. Review status: criteria provided, single submitter. Criteria: Invitae Variant Classification Sherloc (09022015). Collection method: clinical testing. Allele origin: germline.
Comment: This sequence change replaces arginine, which is basic and polar, with histidine, which is basic and polar, at codon 88 of the FBN3 protein (p.Arg88His). This variant is present in population databases (rs773721983, gnomAD 0.05%). This variant has not been reported in the literature in individuals affected with FBN3-related conditions. ClinVar contains an entry for this variant (Variation ID: 2300246). An algorithm developed to predict the effect of missense changes on protein structure and function outputs the following: PolyPhen-2: "Benign". The histidine amino acid residue is found in multiple mammalian species, which suggests that this missense change does not adversely affect protein function. In summary, the available evidence is currently insufficient to determine the role of this variant in disease. Therefore, it has been classified as a Variant of Uncertain Significance.

Ambry Genetics
Classification: Likely benign. Last evaluated: 2022-07-08. Review status: criteria provided, single submitter. Criteria: Ambry Variant Classification Scheme 2023. Collection method: clinical testing. Allele origin: germline.